The following is an entry in ClinVar:

NM_001382430.1(AKT1):c.315T>C (p.Thr105=)

Gene: AKT1 (AKT serine/threonine kinase 1; minus strand). Cytogenetic location: 14q32.33.
Variant type: single nucleotide variant.
Coding change: c.315T>C on transcript NM_001382430.1 (MANE Select); coding-DNA position 315, T replaced by C.
Protein change: p.Thr105=; no amino-acid change (threonine 105 retained).
Molecular consequence: synonymous variant.
Genome position (GRCh38, 1-based): chr14:104,775,772, A>G on the plus strand (T>C on the coding strand, the complement: AKT1 is on the minus strand). VCF-style: chr14-104775772-A-G. GRCh37 (hg19) VCF-style: chr14-105242109-A-G.
Other names: c.315T>C, p.Thr105= (NM_001014431.2, NM_001014432.2, NM_001382431.1 and 3 more transcripts).
Identifiers: ClinVar variation 240111 (VCV000240111.15), dbSNP rs767715614, ClinGen allele CA7374815.
Genomic context (GRCh38, chr14:104,775,772, plus strand): 5'-GGGTGAGCCCGACCGGAAGTCCATCTCCTCCTCCTCCTGCTTCTTGAGGCCGTCAGCCAC[A>G]GTCTGGATGGCGGTTGTCCACTCCTCCCTGCAGGAGGTCAGGTGAGGCTGCAGGCCTGTA-3'
Protein context (NP_001369359.1, residues 95-115): EREEWTTAIQ[Thr105=]VADGLKKQEE

ClinVar aggregate classification (germline): Likely benign. Review status: criteria provided, multiple submitters, no conflicts (2 of 4 stars). 4 submissions from 4 submitters: Likely benign (3). 1 of the submissions does not count toward it. Last evaluated 2023-12-21.

Conditions:
AKT1-related disorder. Also called: AKT1-related condition.
Inborn genetic diseases. Identifiers: MedGen C0950123, MeSH D030342.
Cowden syndrome 6 (CWS6). Identifiers: Orphanet 201, MedGen C3554519, MONDO:0014048, OMIM 615109.

Allele frequency attached by ClinVar (database versions not stated): ExAC 0.00002; gnomAD exomes 0.00002 and 0.00003; gnomAD 0.00004 and 0.00005; TOPMed 0.00004.

Submissions (4):

Blueprint Genetics
Classification: Likely benign. Last evaluated: 2023-12-21. Review status: criteria provided, single submitter. Criteria: ACMG Guidelines, 2015. Collection method: clinical testing. Allele origin: germline.

Labcorp Genetics (formerly Invitae), Labcorp
Classification: Likely benign for Cowden syndrome 6. Last evaluated: 2022-06-27. Review status: criteria provided, single submitter. Criteria: Invitae Variant Classification Sherloc (09022015). Collection method: clinical testing. Allele origin: germline.

Ambry Genetics
Classification: Likely benign for Inborn genetic diseases. Last evaluated: 2022-03-18. Review status: criteria provided, single submitter. Criteria: Ambry Variant Classification Scheme 2023. Collection method: clinical testing. Allele origin: germline.

PreventionGenetics, part of Exact Sciences
Classification: Likely benign for AKT1-related condition. Last evaluated: 2019-08-01. Review status: no assertion criteria provided. Collection method: clinical testing. Allele origin: germline. Not counted in ClinVar's aggregate classification.
Comment: This variant is classified as likely benign based on ACMG/AMP sequence variant interpretation guidelines (Richards et al. 2015 PMID: 25741868, with internal and published modifications).